The following is an entry in ClinVar:

ClinVar aggregate classification (germline): Pathogenic/Likely pathogenic. Review status: criteria provided, multiple submitters, no conflicts (2 of 4 stars). 3 submissions from 3 submitters: Pathogenic (2); Likely pathogenic (1). Last evaluated 2025-10-02.

Conditions:
Deficiency of alpha-mannosidase (MANSA). Also called: LYSOSOMAL ALPHA-D-MANNOSIDASE DEFICIENCY; Alpha-Mannosidosis; Mannosidosis, alpha-, types I and II. Identifiers: MedGen C0024748, MONDO:0009561, OMIM 248500, Orphanet 61.

Submissions (3):

Variantyx, Inc.
Classification: Pathogenic for Deficiency of alpha-mannosidase. Last evaluated: 2025-10-02. Review status: criteria provided, single submitter. Criteria: Variantyx Assertion Criteria 2022. Collection method: clinical testing. Allele origin: germline. Inheritance: Autosomal recessive inheritance. Affected: yes.
Comment: This is a canonical splicing variant in the MAN2B1 gene (OMIM: 609458). Pathogenic variants in this gene have been associated with autosomal recessive alpha-mannosidosis, types I and II. This splicing variant is expected to result in loss of function, which is a known disease mechanism for MAN2B1 in this disorder (PMID: 9915946) (PVS1). Several different variants at this canonical splice site have been reported in patients with autosomal recessive alpha-mannosidosis (c.1527+2T>G, c.1527+1G>A, c.1527+1G>C; PMID: 9915946, 15712269) (PS1). Based on the current evidence, this variant is classified as pathogenic for autosomal recessive alpha-mannosidosis, types I and II.

Natera, Inc.
Classification: Likely pathogenic for Alpha-mannosidosis. Last evaluated: 2024-12-04. Review status: criteria provided, single submitter. Criteria: Natera Variant Classification Schema (03/2026). Collection method: clinical testing. Allele origin: germline.
Comment: The c.1527+1G>T variant in MAN2B1 is a canonical splice donor site variant predicted to affect pre-mRNA splicing, which may result in an abnormal transcript and altered protein product. This variant may result in a truncated or dysfunctional protein product. This variant is rare in the general population with a frequency below the threshold expected for the associated phenotype(s). Another variant at this same site results in an alteration predicted to cause a similar molecular effect has been observed in individual(s) with the associated phenotype. Given the available evidence, this variant is classified as Likely Pathogenic.

Labcorp Genetics (formerly Invitae), Labcorp
Classification: Pathogenic for Deficiency of alpha-mannosidase. Last evaluated: 2024-01-22. Review status: criteria provided, single submitter. Criteria: Invitae Variant Classification Sherloc (09022015). Collection method: clinical testing. Allele origin: germline.
Comment: This sequence change affects a donor splice site in intron 12 of the MAN2B1 gene. It is expected to disrupt RNA splicing. Variants that disrupt the donor or acceptor splice site typically lead to a loss of protein function (PMID: 16199547), and loss-of-function variants in MAN2B1 are known to be pathogenic (PMID: 9915946, 22161967). This variant is not present in population databases (gnomAD no frequency). Disruption of this splice site has been observed in individual(s) with MAN2B1-related conditions (PMID: 9915946). It has also been observed to segregate with disease in related individuals. Algorithms developed to predict the effect of sequence changes on RNA splicing suggest that this variant may disrupt the consensus splice site. For these reasons, this variant has been classified as Pathogenic.

Literature cited by the submitters: PubMed 9915946 (cited by Variantyx, Inc. and Labcorp Genetics (formerly Invitae), Labcorp); PubMed 16199547 (cited by Labcorp Genetics (formerly Invitae), Labcorp); PubMed 22161967 (cited by Labcorp Genetics (formerly Invitae), Labcorp).

NM_000528.4(MAN2B1):c.1527+1G>T

Gene: MAN2B1 (mannosidase alpha class 2B member 1; minus strand). Cytogenetic location: 19p13.13.
Variant type: single nucleotide variant.
Coding change: c.1527+1G>T on transcript NM_000528.4 (MANE Select); the canonical splice donor site of the intron after coding-DNA position 1527, G replaced by T.
Molecular consequence: splice donor variant.
Genome position (GRCh38, 1-based): chr19:12,656,948, C>A on the plus strand (G>T on the coding strand, the complement: MAN2B1 is on the minus strand). VCF-style: chr19-12656948-C-A. GRCh37 (hg19) VCF-style: chr19-12767762-C-A.
Other names: c.1527+1G>T (NM_000528.3); c.1524+1G>T (NM_001173498.2).
Identifiers: ClinVar variation 2877341 (VCV002877341.5), dbSNP rs1322313985, ClinGen allele CA404246052.